The following is an entry in ClinVar:

ClinVar aggregate classification (germline): Uncertain significance (1 of 4 stars; one submission).

Submission:

Labcorp Genetics (formerly Invitae), Labcorp
Classification: Uncertain significance. Last evaluated: 2021-08-05. Review status: criteria provided, single submitter. Criteria: Invitae Variant Classification Sherloc (09022015). Collection method: clinical testing. Allele origin: germline.
Comment: In summary, the available evidence is currently insufficient to determine the role of this variant in disease. Therefore, it has been classified as a Variant of Uncertain Significance. Experimental studies and prediction algorithms are not available or were not evaluated, and the functional significance of this variant is currently unknown. This variant has not been reported in the literature in individuals affected with MYO18B-related conditions. This variant is a gross deletion of the genomic region encompassing exon(s) 41-42 of the MYO18B gene. This variant would be expected to be in-frame, preserving the integrity of the reading frame.

NC_000022.10:g.(?_26399211)_(26400841_?)del

Gene: MYO18B (myosin XVIIIB; plus strand). Cytogenetic location: 22q12.1.
Variant type: Deletion.
Identifiers: ClinVar variation 1441546 (VCV001441546.4).